The following is an entry in ClinVar:

ClinVar aggregate classification (germline): Uncertain significance (1 of 4 stars; one submission).

Conditions:
Familial intrahepatic cholestasis. Identifiers: Orphanet 284385, MedGen CN296401, MONDO:0017290.

Submission:

Genomenon, Inc
Classification: Uncertain significance for Familial intrahepatic cholestasis. Last evaluated: 2026-04-14. Review status: criteria provided, single submitter. Criteria: Genomenon Sequence Variant Interpretation Standards - Updated. Collection method: curation. Allele origin: germline. Affected: yes.
Comment: ABCB11 p.Gly1116Phe (c.3346_3348delinsTTT) is a deletion-insertion variant that changes the amino acid at residue 1116 from Glycine to Phenylalanine. This variant has been observed in at least one proband with an ABCB11-related disorder (PMID:25847299;20232290). It has been observed in trans with a pathogenic or likely pathogenic variant (PMID:20232290). It is absent or not present at a significant frequency in gnomAD. In conclusion, we classify ABCB11 p.Gly1116Phe (c.3346_3348delinsTTT) as a variant of uncertain significance.

Literature cited by the submitters: PubMed 25847299; PubMed 20232290.

NM_003742.4(ABCB11):c.3346_3348delinsTTT (p.Gly1116Phe)

Gene: ABCB11 (ATP binding cassette subfamily B member 11; minus strand). Cytogenetic location: 2q31.1.
Variant type: Indel.
Coding change: c.3346_3348delinsTTT on transcript NM_003742.4 (MANE Select); coding-DNA positions 3346 to 3348, GGA replaced by TTT.
Protein change: p.Gly1116Phe; replaces glycine 1116 with phenylalanine.
Molecular consequence: missense variant.
Genome position (GRCh38, 1-based): chr2:168,930,728-168,930,730, TCC replaced by AAA on the plus strand (GGA replaced by TTT on the coding strand, the reverse complement: ABCB11 is on the minus strand). VCF-style: chr2-168930728-TCC-AAA. GRCh37 (hg19) VCF-style: chr2-169787238-TCC-AAA.
Other names: short protein forms G1116F.
Identifiers: ClinVar variation 4846007 (VCV004846007.1).